The following is an entry in ClinVar:

ClinVar aggregate classification (germline): Uncertain significance. Review status: criteria provided, single submitter (1 of 4 stars). 2 submissions from 2 submitters: Uncertain significance (1). 1 of the submissions does not count toward it. Last evaluated 2022-01-03.

Conditions:
Glaucoma 3, primary congenital, E (GLC3E). Identifiers: MedGen C4310639, MONDO:0014998, OMIM 617272.

Submissions (2):

3billion
Classification: Uncertain significance for Glaucoma 3, primary congenital, E. Last evaluated: 2022-01-03. Review status: criteria provided, single submitter. Criteria: ACMG Guidelines, 2015. Collection method: clinical testing. Allele origin: germline. Affected: yes. Observed: 1 heterozygote.
Comment: The variant not observed in the gnomAD v2.1.1 dataset (PM2_M). In silico tool predictions suggest damaging effect of the variant on gene or gene product (REVEL: 0.868, PP3_P). Therefore, this variant is classified as uncertain significance according to the recommendation of ACMG/AMP guideline.

Ophthalmo-Genetics Lab, Instituto de Oftalmologia Conde de Valenciana
Classification: Likely pathogenic for Glaucoma 3, primary congenital, E. Review status: no assertion criteria provided. Collection method: research. Allele origin: germline. Inheritance: Autosomal dominant inheritance. Affected: yes. Observed: 1 heterozygote. Not counted in ClinVar's aggregate classification.

Literature cited by the submitters: DOI 10.3389/fgene.2021.764509 (cited by Ophthalmo-Genetics Lab, Instituto de Oftalmologia Conde de Valenciana).

NM_000459.5(TEK):c.857G>T (p.Gly286Val)

Gene: TEK (TEK receptor tyrosine kinase; plus strand). Cytogenetic location: 9p21.2.
Variant type: single nucleotide variant.
Coding change: c.857G>T on transcript NM_000459.5 (MANE Select); coding-DNA position 857, G replaced by T.
Protein change: p.Gly286Val; replaces glycine 286 with valine.
Molecular consequence: missense variant.
Genome position (GRCh38, 1-based): chr9:27,173,318, G>T. VCF-style: chr9-27173318-G-T. GRCh37 (hg19) VCF-style: chr9-27173316-G-T.
Other names: c.857G>T, p.Gly286Val (NM_001290077.2, NM_001375475.1, NM_001375476.1); c.545G>T, p.Gly182Val (NM_001290078.2); short protein forms G182V, G286V.
Identifiers: ClinVar variation 1333386 (VCV001333386.2), dbSNP rs2131150099, ClinGen allele CA373125717.
Genomic context (GRCh38, chr9:27,173,318, plus strand): 5'-AAAGGTGCAGTGGACAAGAGGGATGCAAGTCTTATGTGTTCTGTCTCCCTGACCCCTATG[G>T]GTGTTCCTGTGCCACAGGCTGGAAGGGTCTGCAGTGCAATGAAGGTATGCACCAATCACA-3'
Protein context (NP_000450.3, residues 276-296): SYVFCLPDPY[Gly286Val]CSCATGWKGL